The following is an entry in ClinVar:

ClinVar aggregate classification (germline): Uncertain significance. Review status: criteria provided, multiple submitters, no conflicts (2 of 4 stars). 2 submissions from 2 submitters: Uncertain significance (2). Last evaluated 2026-01-27.

Conditions:
Autosomal dominant polycystic kidney disease. Identifiers: Orphanet 730, MedGen C0085413, MONDO:0004691.
PKD2-related disorder. Also called: PKD2-related condition.

Submissions (2):

PreventionGenetics, part of Exact Sciences
Classification: Uncertain significance for PKD2-related condition. Last evaluated: 2026-01-27. Review status: criteria provided, single submitter. Criteria: ACMG Guidelines, 2015. Collection method: clinical testing. Allele origin: germline.
Comment: The PKD2 c.2336G>A variant is predicted to result in the amino acid substitution p.Arg779Lys. To our knowledge, this variant has not been reported in the literature or in a large population database (gnomAD), indicating this variant is rare. At this time, the clinical significance of this variant is uncertain due to the absence of conclusive functional and genetic evidence.

Labcorp Genetics (formerly Invitae), Labcorp
Classification: Uncertain significance for Autosomal dominant polycystic kidney disease. Last evaluated: 2022-10-25. Review status: criteria provided, single submitter. Criteria: Invitae Variant Classification Sherloc (09022015). Collection method: clinical testing. Allele origin: germline.
Comment: This sequence change replaces arginine, which is basic and polar, with lysine, which is basic and polar, at codon 779 of the PKD2 protein (p.Arg779Lys). This variant is not present in population databases (gnomAD no frequency). This variant has not been reported in the literature in individuals affected with PKD2-related conditions. Advanced modeling of protein sequence and biophysical properties (such as structural, functional, and spatial information, amino acid conservation, physicochemical variation, residue mobility, and thermodynamic stability) performed at Invitae indicates that this missense variant is not expected to disrupt PKD2 protein function. In summary, the available evidence is currently insufficient to determine the role of this variant in disease. Therefore, it has been classified as a Variant of Uncertain Significance.

NM_000297.4(PKD2):c.2336G>A (p.Arg779Lys)

Gene: PKD2 (polycystin 2, transient receptor potential cation channel; plus strand). Cytogenetic location: 4q22.1.
Variant type: single nucleotide variant.
Coding change: c.2336G>A on transcript NM_000297.4 (MANE Select); coding-DNA position 2336, G replaced by A.
Protein change: p.Arg779Lys; replaces arginine 779 with lysine.
Molecular consequence: missense variant. On other transcripts: non-coding transcript variant (1).
Genome position (GRCh38, 1-based): chr4:88,065,857, G>A. VCF-style: chr4-88065857-G-A. GRCh37 (hg19) VCF-style: chr4-88987009-G-A.
Other names: c.2336G>A (NM_000297.3); short protein forms R779K.
Identifiers: ClinVar variation 2126215 (VCV002126215.5), dbSNP rs2475980802, ClinGen allele CA357625409.